The following is an entry in ClinVar:

ClinVar aggregate classification (germline): Benign (1 of 4 stars; one submission).

Conditions:
Hyperornithinemia-hyperammonemia-homocitrullinuria syndrome (HHHS). Also called: HHH SYNDROME; Ornithine translocase deficiency. Identifiers: Orphanet 415, MedGen C0268540, MONDO:0009393, OMIM 238970.

Allele frequency attached by ClinVar (database versions not stated): gnomAD 0.01058 and 0.01135; TOPMed 0.01201; 1000 Genomes Project 0.01238; 1000 Genomes Project 30x 0.01343.
gnomAD v4.1: 1,597 of 152,306 alleles (1%); highest among the groups gnomAD compares: African/African-American, 3.5%; 17 homozygotes.

Submission:

Illumina Laboratory Services, Illumina
Classification: Benign for Hyperornithinemia-hyperammonemia-homocitrullinuria syndrome. Last evaluated: 2018-01-12. Review status: criteria provided, single submitter. Criteria: ICSL Variant Classification Criteria 13 December 2019. Collection method: clinical testing. Allele origin: germline.
Comment: This variant was observed in the ICSL laboratory as part of a predisposition screen in an ostensibly healthy population. It had not been previously curated by ICSL or reported in the Human Gene Mutation Database (HGMD: prior to June 1st, 2018), and was therefore a candidate for classification through an automated scoring system. Utilizing variant allele frequency, disease prevalence and penetrance estimates, and inheritance mode, an automated score was calculated to assess if this variant is too frequent to cause the disease. Based on the score and internal cut-off values, a variant classified as benign is not then subjected to further curation. The score for this variant resulted in a classification of benign for this disease.

NM_014252.4(SLC25A15):c.*1945G>A

Gene: SLC25A15 (solute carrier family 25 member 15; plus strand). Cytogenetic location: 13q14.11.
Variant type: single nucleotide variant.
Coding change: c.*1945G>A on transcript NM_014252.4 (MANE Select); 1945 bases downstream of the stop codon, G replaced by A.
Molecular consequence: 3 prime UTR variant.
Genome position (GRCh38, 1-based): chr13:40,811,612, G>A. VCF-style: chr13-40811612-G-A. GRCh37 (hg19) VCF-style: chr13-41385748-G-A.
Identifiers: ClinVar variation 312210 (VCV000312210.5), dbSNP rs114817943, ClinGen allele CA10634415.